The following is an entry in ClinVar:

NM_006289.4(TLN1):c.1361G>A (p.Arg454His)

Gene: TLN1 (talin 1; minus strand). Cytogenetic location: 9p13.3.
Variant type: single nucleotide variant.
Coding change: c.1361G>A on transcript NM_006289.4 (MANE Select); coding-DNA position 1361, G replaced by A.
Protein change: p.Arg454His; replaces arginine 454 with histidine.
Molecular consequence: missense variant.
Genome position (GRCh38, 1-based): chr9:35,720,142, C>T on the plus strand (G>A on the coding strand, the complement: TLN1 is on the minus strand). VCF-style: chr9-35720142-C-T. GRCh37 (hg19) VCF-style: chr9-35720139-C-T.
Other names: short protein forms R454H.
Identifiers: ClinVar variation 2501737 (VCV002501737.1), dbSNP rs375834194, ClinGen allele CA5049204.

ClinVar aggregate classification (germline): Uncertain significance (1 of 4 stars; one submission).

Allele frequency attached by ClinVar (database versions not stated): ExAC 0.00001; gnomAD 0.00001; gnomAD exomes 0.00001; TOPMed 0.00001; ESP Exome Variant Server 0.00008.
gnomAD v4.1: 20 of 1,612,508 alleles (0.0012%); highest among the groups gnomAD compares: Non-Finnish European, 0.0015%; no homozygotes.

Submission:

Center for Genomics, Ann and Robert H. Lurie Children's Hospital of Chicago
Classification: Uncertain significance. Last evaluated: 2021-03-30. Review status: criteria provided, single submitter. Criteria: ACMG Guidelines, 2015. Collection method: clinical testing. Allele origin: germline.
Comment: TLN1 NM_006289.3 exon 13 p.Arg454His (c.1361G>A): This variant has not been reported in the literature and is present in 0.001% (2/112812) of European alleles in the Genome Aggregation Database. Evolutionary conservation and computational predictive tools suggest that this variant may impact the protein. In summary, data on this variant is insufficient for disease classification. Therefore, the clinical significance of this variant is uncertain.